The following is an entry in ClinVar:

ClinVar aggregate classification (germline): Pathogenic (1 of 4 stars; one submission).

Conditions:
Dyskeratosis congenita, autosomal recessive 6 (DKCB6). Identifiers: MedGen C4225356, MONDO:0014600, OMIM 616353.
Pulmonary fibrosis and/or bone marrow failure, Telomere-related, 4. Also called: PULMONARY FIBROSIS AND/OR BONE MARROW FAILURE SYNDROME, TELOMERE-RELATED, 4. Identifiers: Orphanet 2032, MedGen C4225347, MONDO:0014612, OMIM 616371.

Submission:

Labcorp Genetics (formerly Invitae), Labcorp
Classification: Pathogenic for Dyskeratosis congenita, autosomal recessive 6; Pulmonary fibrosis and/or bone marrow failure, Telomere-related, 4. Last evaluated: 2023-06-30. Review status: criteria provided, single submitter. Criteria: Invitae Variant Classification Sherloc (09022015). Collection method: clinical testing. Allele origin: germline.
Comment: For these reasons, this variant has been classified as Pathogenic. Variants that disrupt the consensus splice site are a relatively common cause of aberrant splicing (PMID: 17576681, 9536098). Algorithms developed to predict the effect of sequence changes on RNA splicing suggest that this variant may disrupt the consensus splice site. This sequence change creates a premature translational stop signal (p.Lys59Asnfs*26) in the PARN gene. It is expected to result in an absent or disrupted protein product. Loss-of-function variants in PARN are known to be pathogenic (PMID: 9736620, 25848748, 26810774). This variant is not present in population databases (gnomAD no frequency). This variant has not been reported in the literature in individuals affected with PARN-related conditions. This variant is also known as c.177+1del. ClinVar contains an entry for this variant (Variation ID: 1941438).

Literature cited by the submitters: PubMed 17576681; PubMed 9536098; PubMed 9736620; PubMed 25848748; PubMed 26810774.

NM_002582.4(PARN):c.177+1del

Gene: PARN (poly(A)-specific ribonuclease; minus strand). Cytogenetic location: 16p13.12.
Variant type: Deletion.
Coding change: c.177+1del on transcript NM_002582.4 (MANE Select); the canonical splice donor site of the intron after coding-DNA position 177, one base deleted (G; older notation c.177+1delG).
Molecular consequence: splice donor variant. On other transcripts: intron variant (1).
Genome position (GRCh38, 1-based): chr16:14,628,171, C deleted on the plus strand (G on the coding strand, the reverse complement: PARN is on the minus strand); the first of 2 consecutive C bases (chr16:14,628,171-14,628,172); deleting either gives the same sequence. VCF-style (leftmost placement, unchanged base first): chr16-14628170-GC-G. GRCh37 (hg19) VCF-style: chr16-14722027-GC-G.
Other names: c.-7+1del (NM_001134477.3); c.158+20del (NM_001242992.2).
Identifiers: ClinVar variation 1941438 (VCV001941438.5), dbSNP rs2508639104, ClinGen allele CA2575917524.